The following is an entry in ClinVar:

ClinVar aggregate classification (germline): Uncertain significance. Review status: criteria provided, multiple submitters, no conflicts (2 of 4 stars). 2 submissions from 2 submitters: Uncertain significance (2). Last evaluated 2025-11-19.

Conditions:
Autosomal recessive limb-girdle muscular dystrophy type R18 (LGMDR18). Also called: Limb-girdle muscular dystrophy, type 2S; Autosomal recessive limb-girdle muscular dystrophy type 2S; MUSCULAR DYSTROPHY, LIMB-GIRDLE, AUTOSOMAL RECESSIVE 18. Identifiers: Orphanet 369840, MedGen C4517996, MONDO:0014144, OMIM 615356.

gnomAD v4.1: 11 of 1,613,704 alleles (0.00068%); highest among the groups gnomAD compares: South Asian, 0.0099%; no homozygotes.

Submissions (2):

GeneDx
Classification: Uncertain significance. Last evaluated: 2025-11-19. Review status: criteria provided, single submitter. Criteria: GeneDx Variant Classification Process June 2021. Collection method: clinical testing. Allele origin: germline.
Comment: Not observed at significant frequency in large population cohorts (gnomAD); In silico analysis suggests that this missense variant does not alter protein structure/function; Has not been previously published as pathogenic or benign to our knowledge

Labcorp Genetics (formerly Invitae), Labcorp
Classification: Uncertain significance for Autosomal recessive limb-girdle muscular dystrophy type R18. Last evaluated: 2023-03-27. Review status: criteria provided, single submitter. Criteria: Invitae Variant Classification Sherloc (09022015). Collection method: clinical testing. Allele origin: germline.
Comment: ClinVar contains an entry for this variant (Variation ID: 946315). This sequence change replaces aspartic acid, which is acidic and polar, with glutamic acid, which is acidic and polar, at codon 830 of the TRAPPC11 protein (p.Asp830Glu). This variant is not present in population databases (gnomAD no frequency). This variant has not been reported in the literature in individuals affected with TRAPPC11-related conditions. Advanced modeling of protein sequence and biophysical properties (such as structural, functional, and spatial information, amino acid conservation, physicochemical variation, residue mobility, and thermodynamic stability) performed at Invitae indicates that this missense variant is not expected to disrupt TRAPPC11 protein function. In summary, the available evidence is currently insufficient to determine the role of this variant in disease. Therefore, it has been classified as a Variant of Uncertain Significance.

NM_021942.6(TRAPPC11):c.2490C>G (p.Asp830Glu)

Genes: TRAPPC11 (trafficking protein particle complex subunit 11; plus strand), LOC126807238 (BRD4-independent group 4 enhancer GRCh37_chr4:184614366-184615565; plus strand). Cytogenetic location: 4q35.1.
Variant type: single nucleotide variant.
Coding change: c.2490C>G on transcript NM_021942.6 (MANE Select); coding-DNA position 2490, C replaced by G.
Protein change: p.Asp830Glu; replaces aspartic acid 830 with glutamic acid.
Molecular consequence: missense variant.
Genome position (GRCh38, 1-based): chr4:183,694,020, C>G. VCF-style: chr4-183694020-C-G. GRCh37 (hg19) VCF-style: chr4-184615173-C-G.
Other names: c.2490C>G, p.Asp830Glu (NM_199053.3); short protein forms D830E.
Identifiers: ClinVar variation 946315 (VCV000946315.11), dbSNP rs1020680380, ClinGen allele CA358872109.